The following is an entry in ClinVar:

NM_007294.4(BRCA1):c.5121T>G (p.Ile1707Met)

Gene: BRCA1 (BRCA1 DNA repair associated; minus strand). Cytogenetic location: 17q21.31.
Variant type: single nucleotide variant.
Coding change: c.5121T>G on transcript NM_007294.4 (MANE Select); coding-DNA position 5121, T replaced by G.
Protein change: p.Ile1707Met; replaces isoleucine 1707 with methionine.
Molecular consequence: missense variant. On other transcripts: non-coding transcript variant (1).
Genome position (GRCh38, 1-based): chr17:43,063,905, A>C on the plus strand (T>G on the coding strand, the complement: BRCA1 is on the minus strand). VCF-style: chr17-43063905-A-C. GRCh37 (hg19) VCF-style: chr17-41215922-A-C.
Other names: c.4908T>G, p.Ile1636Met (NM_001407571.1, NM_001407894.1, NM_001407895.1 and 12 more transcripts); c.5187T>G, p.Ile1729Met (NM_001407581.1, NM_001407582.1); c.5184T>G, p.Ile1728Met (NM_001407583.1, NM_001407585.1, NM_001407587.1 and 1 more transcripts); c.5181T>G, p.Ile1727Met (NM_001407590.1, NM_001407591.1); c.5121T>G, p.Ile1707Met (NM_001407593.1, NM_001407594.1, NM_001407596.1 and 7 more transcripts); c.5118T>G, p.Ile1706Met (NM_001407610.1, NM_001407621.1, NM_001407622.1 and 17 more transcripts); c.5115T>G, p.Ile1705Met (NM_001407627.1, NM_001407628.1, NM_001407629.1 and 14 more transcripts); c.5112T>G, p.Ile1704Met (NM_001407644.1, NM_001407645.1); and 71 more; short protein forms I1707M, I603M, I1728M, I1660M, I1538M, I1553M, I1635M, I1636M.
Identifiers: ClinVar variation 864980 (VCV000864980.3), dbSNP rs2051918751, ClinGen allele CA10591293.

Conditions:
Breast-ovarian cancer, familial, susceptibility to, 1 (BROVCA1). Also called: BRCA1 Hereditary Breast and Ovarian Cancer; OVARIAN CANCER, SUSCEPTIBILITY TO. Identifiers: Orphanet 145, MedGen C2676676, MONDO:0011450, OMIM 604370. Disease mechanism: loss of function.

Submission:

Brotman Baty Institute, University of Washington
No classification provided (evidence only). Condition: Breast-ovarian cancer, familial 1. Review status: no classification provided. Collection method: in vitro. Allele origin: not applicable. Functional consequence: functionally_normal.
ClinVar note: "not provided" was previously submitted as the classification for the variant. However, the classification appeared to be based only on an observation of functional data so it was converted to no classification on 2025-07-30.